The following is an entry in ClinVar:

ClinVar aggregate classification (germline): Uncertain significance. Review status: criteria provided, multiple submitters, no conflicts (2 of 4 stars). 4 submissions from 4 submitters: Uncertain significance (4). Last evaluated 2025-01-07.

Conditions:
Inborn genetic diseases. Identifiers: MedGen C0950123, MeSH D030342.

Submissions (4):

GeneDx
Classification: Uncertain significance. Last evaluated: 2025-01-07. Review status: criteria provided, single submitter. Criteria: GeneDx Variant Classification Process June 2021. Collection method: clinical testing. Allele origin: germline. Affected: yes.
Comment: In-frame duplication of 1 amino acid in a non-repeat region; Has not been previously published as pathogenic or benign to our knowledge

Labcorp Genetics (formerly Invitae), Labcorp
Classification: Uncertain significance. Last evaluated: 2022-05-14. Review status: criteria provided, single submitter. Criteria: Invitae Variant Classification Sherloc (09022015). Collection method: clinical testing. Allele origin: germline.
Comment: This variant, c.684_686dup, results in the insertion of 1 amino acid(s) of the RETREG1 protein (p.Phe228dup), but otherwise preserves the integrity of the reading frame. This variant is present in population databases (rs750191157, gnomAD 0.04%). This variant has not been reported in the literature in individuals affected with RETREG1-related conditions. Experimental studies and prediction algorithms are not available or were not evaluated, and the functional significance of this variant is currently unknown. In summary, the available evidence is currently insufficient to determine the role of this variant in disease. Therefore, it has been classified as a Variant of Uncertain Significance.

Ambry Genetics
Classification: Uncertain significance for Inborn genetic diseases. Last evaluated: 2022-02-24. Review status: criteria provided, single submitter. Criteria: Ambry Variant Classification Scheme 2023. Collection method: clinical testing. Allele origin: germline.
Comment: The c.684_686dupTTT variant (also known as p.F228dup), located in coding exon 6 of the FAM134B gene, results from an in-frame duplication of TTT at nucleotide positions 684 to 686. This results in the duplication of an extra residue between codons 228 and 229. This amino acid position is highly conserved in available vertebrate species. Since supporting evidence is limited at this time, the clinical significance of this alteration remains unclear.

Breakthrough Genomics
Classification: Uncertain significance. Review status: criteria provided, single submitter. Criteria: ACMG Guidelines, 2015. Collection method: not provided. Allele origin: germline. Inheritance: Autosomal recessive inheritance. Affected: yes.

NM_001034850.3(RETREG1):c.684_686dup (p.Phe228dup)

Gene: RETREG1 (reticulophagy regulator 1; minus strand). Cytogenetic location: 5p15.1.
Variant type: Duplication.
Coding change: c.684_686dup on transcript NM_001034850.3 (MANE Select); coding-DNA positions 684 to 686, 3 bases duplicated (TTT; older notation c.684_686dupTTT).
Protein change: p.Phe228dup; duplicates phenylalanine 228.
Molecular consequence: inframe insertion.
Genome position (GRCh38, 1-based): chr5:16,478,972-16,478,974, AAA duplicated on the plus strand (TTT on the coding strand, the reverse complement: RETREG1 is on the minus strand); duplicating any 3 consecutive bases within chr5:16,478,972-16,478,976 gives the same sequence; the c. name uses the placement nearest the transcript's 3' end. VCF-style (leftmost placement, unchanged base first): chr5-16478971-C-CAAA. GRCh37 (hg19) VCF-style: chr5-16479080-C-CAAA.
Other names: c.261_263dup, p.Phe87dup (NM_019000.5); c.684_686dup (NM_001034850.2).
Identifiers: ClinVar variation 1499342 (VCV001499342.9), dbSNP rs750191157, ClinGen allele CA3210363.